The following is an entry in ClinVar:

NM_021927.3(GUF1):c.691A>G (p.Asn231Asp)

Gene: GUF1 (GTP binding elongation factor GUF1; plus strand). Cytogenetic location: 4p12.
Variant type: single nucleotide variant.
Coding change: c.691A>G on transcript NM_021927.3 (MANE Select); coding-DNA position 691, A replaced by G.
Protein change: p.Asn231Asp; replaces asparagine 231 with aspartic acid.
Molecular consequence: missense variant. On other transcripts: 5 prime UTR variant (2).
Genome position (GRCh38, 1-based): chr4:44,685,980, A>G. VCF-style: chr4-44685980-A-G. GRCh37 (hg19) VCF-style: chr4-44687997-A-G.
Other names: c.691A>G (NM_021927.2); c.-282A>G (NM_001345867.2, NM_001345869.2); c.691A>G, p.Asn231Asp (NM_001345868.2); short protein forms N231D.
Identifiers: ClinVar variation 2900573 (VCV002900573.4), dbSNP rs781652262, ClinGen allele CA2905402.

ClinVar aggregate classification (germline): Uncertain significance. Review status: criteria provided, multiple submitters, no conflicts (2 of 4 stars). 2 submissions from 2 submitters: Uncertain significance (2). Last evaluated 2025-06-22.

Allele frequency attached by ClinVar (database versions not stated): ExAC 0.00001; TOPMed 0.00002; gnomAD 0.00003.
gnomAD v4.1: 27 of 1,606,470 alleles (0.0017%); highest among the groups gnomAD compares: Non-Finnish European, 0.002%; no homozygotes.

Submissions (2):

Labcorp Genetics (formerly Invitae), Labcorp
Classification: Uncertain significance. Last evaluated: 2025-06-22. Review status: criteria provided, single submitter. Criteria: Invitae Variant Classification Sherloc (09022015). Collection method: clinical testing. Allele origin: germline.
Comment: This sequence change replaces asparagine, which is neutral and polar, with aspartic acid, which is acidic and polar, at codon 231 of the GUF1 protein (p.Asn231Asp). This variant is present in population databases (rs781652262, gnomAD 0.003%). This variant has not been reported in the literature in individuals affected with GUF1-related conditions. ClinVar contains an entry for this variant (Variation ID: 2900573). Invitae Evidence Modeling of protein sequence and biophysical properties (such as structural, functional, and spatial information, amino acid conservation, physicochemical variation, residue mobility, and thermodynamic stability) indicates that this missense variant is not expected to disrupt GUF1 protein function with a negative predictive value of 80%. In summary, the available evidence is currently insufficient to determine the role of this variant in disease. Therefore, it has been classified as a Variant of Uncertain Significance.

Ambry Genetics
Classification: Uncertain significance. Last evaluated: 2024-06-28. Review status: criteria provided, single submitter. Criteria: Ambry Variant Classification Scheme 2023. Collection method: clinical testing. Allele origin: germline.